The following is an entry in ClinVar:

NM_052867.4(NALCN):c.1489del (p.Tyr497fs)

Gene: NALCN (sodium leak channel, non-selective; minus strand). Cytogenetic location: 13q33.1.
Variant type: Deletion.
Coding change: c.1489del on transcript NM_052867.4 (MANE Select); coding-DNA position 1489, one base deleted (T; older notation c.1489delT).
Protein change: p.Tyr497fs; shifts the reading frame from tyrosine 497.
Molecular consequence: frameshift variant.
Genome position (GRCh38, 1-based): chr13:101,229,530, A deleted on the plus strand (T on the coding strand, the reverse complement: NALCN is on the minus strand). VCF-style (leftmost placement, unchanged base first): chr13-101229529-TA-T. GRCh37 (hg19) VCF-style: chr13-101881880-TA-T.
Other names: c.1489del, p.Tyr497fs (NM_001350748.2, NM_001350749.2); c.1402del, p.Tyr468fs (NM_001350750.2, NM_001350751.2); short protein forms Y497fs, Y468fs.
Identifiers: ClinVar variation 88686 (VCV000088686.6), dbSNP rs869025188, ClinGen allele CA351496.

ClinVar aggregate classification (germline): Pathogenic. Review status: criteria provided, multiple submitters, no conflicts (2 of 4 stars). 3 submissions from 3 submitters: Pathogenic (2). 1 of the submissions does not count toward it. Last evaluated 2021-04-01.

Conditions:
Hypotonia, infantile, with psychomotor retardation and characteristic facies 1 (INNFD). Identifiers: Orphanet 371364, Orphanet 700336, MedGen C3809454, MONDO:0024567, OMIM 615419.

Submissions (3):

Revvity Omics, Revvity
Classification: Pathogenic. Last evaluated: 2021-04-01. Review status: criteria provided, single submitter. Criteria: ACMG Guidelines, 2015. Collection method: clinical testing. Allele origin: germline.

GeneDx
Classification: Pathogenic. Last evaluated: 2016-10-26. Review status: criteria provided, single submitter. Criteria: GeneDx Variant Classification (06012015). Collection method: clinical testing. Allele origin: germline. Affected: yes.
Comment: The c.1489delT variant in the NALCN gene has been reported previously in the homozygous state in three Saudi Arabian siblings with delayed speech development, infantile hypotonia, easily controlled seizure disorder, hyperactivity, chronic constipation, and cognitive delay (Al-Sayed et al., 2013). The c.1489delT variant causes a frameshift starting with codon Tyrosine 497, changes this amino acid to a Threonine residue, and creates a premature Stop codon at position 21 of the new reading frame, denoted p.Tyr497ThrfsX21. This variant is predicted to cause loss of normal protein function either through protein truncation or nonsense-mediated mRNA decay. The c.1489delT variant was not observed in approximately 6500 individuals of European and African American ancestry in the NHLBI Exome Sequencing Project, indicating it is not a common benign variant in these populations. We interpret c.1489delT as a pathogenic variant.

OMIM
Classification: Pathogenic for HYPOTONIA, INFANTILE, WITH PSYCHOMOTOR RETARDATION AND CHARACTERISTIC FACIES 1. Last evaluated: 2013-10-03. Review status: no assertion criteria provided. Collection method: literature only. Allele origin: germline. Not counted in ClinVar's aggregate classification.

Literature cited by the submitters: PubMed 24075186 (cited by OMIM).